The following is an entry in ClinVar:

NM_001197104.2(KMT2A):c.7983G>C (p.Lys2661Asn)

Gene: KMT2A (lysine methyltransferase 2A; plus strand). Cytogenetic location: 11q23.3.
Variant type: single nucleotide variant.
Coding change: c.7983G>C on transcript NM_001197104.2 (MANE Select); coding-DNA position 7983, G replaced by C.
Protein change: p.Lys2661Asn; replaces lysine 2661 with asparagine.
Molecular consequence: missense variant.
Genome position (GRCh38, 1-based): chr11:118,503,875, G>C. VCF-style: chr11-118503875-G-C. GRCh37 (hg19) VCF-style: chr11-118374590-G-C.
Other names: c.7974G>C, p.Lys2658Asn (NM_005933.4); short protein forms K2658N, K2661N.
Identifiers: ClinVar variation 1294558 (VCV001294558.13), dbSNP rs142807735, ClinGen allele CA6304444.

ClinVar aggregate classification (germline): Benign/Likely benign. Review status: criteria provided, multiple submitters, no conflicts (2 of 4 stars). 5 submissions from 5 submitters: Benign (1); Likely benign (3). 1 of the submissions does not count toward it. Last evaluated 2026-01-07.

Conditions:
KMT2A-related disorder. Also called: KMT2A-related condition.
Inborn genetic diseases. Identifiers: MedGen C0950123, MeSH D030342.

Allele frequency attached by ClinVar (database versions not stated): gnomAD exomes 0.00004 and 0.00010; ExAC 0.00009; 1000 Genomes Project 30x 0.00016; 1000 Genomes Project 0.00020; gnomAD 0.00029 and 0.00036; ESP Exome Variant Server 0.00031; TOPMed 0.00034.
gnomAD v4.1: 97 of 1,614,230 alleles (0.006%); highest among the groups gnomAD compares: African/African-American, 0.12%; no homozygotes.

Submissions (5):

Labcorp Genetics (formerly Invitae), Labcorp
Classification: Likely benign. Last evaluated: 2026-01-07. Review status: criteria provided, single submitter. Criteria: Invitae Variant Classification Sherloc (09022015). Collection method: clinical testing. Allele origin: germline.

Blueprint Genetics
Classification: Likely benign. Last evaluated: 2022-07-25. Review status: criteria provided, single submitter. Criteria: ACMG Guidelines, 2015. Collection method: clinical testing. Allele origin: germline.

Ambry Genetics
Classification: Likely benign for Inborn genetic diseases. Last evaluated: 2021-11-12. Review status: criteria provided, single submitter. Criteria: Ambry Variant Classification Scheme 2023. Collection method: clinical testing. Allele origin: germline.

GeneDx
Classification: Benign. Last evaluated: 2020-10-05. Review status: criteria provided, single submitter. Criteria: GeneDx Variant Classification Process June 2021. Collection method: clinical testing. Allele origin: germline. Affected: yes.

PreventionGenetics, part of Exact Sciences
Classification: Likely benign for KMT2A-related condition. Last evaluated: 2024-02-08. Review status: no assertion criteria provided. Collection method: clinical testing. Allele origin: germline. Not counted in ClinVar's aggregate classification.
Comment: This variant is classified as likely benign based on ACMG/AMP sequence variant interpretation guidelines (Richards et al. 2015 PMID: 25741868, with internal and published modifications).